The following is an entry in ClinVar:

NM_006944.3(SPP2):c.588G>T (p.Arg196Ser)

Gene: SPP2 (secreted phosphoprotein 2; plus strand). Cytogenetic location: 2q37.1.
Variant type: single nucleotide variant.
Coding change: c.588G>T on transcript NM_006944.3 (MANE Select); coding-DNA position 588, G replaced by T.
Protein change: p.Arg196Ser; replaces arginine 196 with serine.
Molecular consequence: missense variant.
Genome position (GRCh38, 1-based): chr2:234,069,965, G>T. VCF-style: chr2-234069965-G-T. GRCh37 (hg19) VCF-style: chr2-234978609-G-T.
Other names: short protein forms R196S.
Identifiers: ClinVar variation 1465663 (VCV001465663.8), dbSNP rs774770808, ClinGen allele CA351106147.

ClinVar aggregate classification (germline): Uncertain significance (1 of 4 stars; one submission).

gnomAD v4.1: 3 of 1,613,370 alleles (0.00019%); highest among the groups gnomAD compares: South Asian, 0.0022%; no homozygotes.

Submission:

Labcorp Genetics (formerly Invitae), Labcorp
Classification: Uncertain significance. Last evaluated: 2024-10-24. Review status: criteria provided, single submitter. Criteria: Invitae Variant Classification Sherloc (09022015). Collection method: clinical testing. Allele origin: germline.
Comment: This sequence change replaces arginine, which is basic and polar, with serine, which is neutral and polar, at codon 196 of the SPP2 protein (p.Arg196Ser). This variant is present in population databases (no rsID available, gnomAD 0.003%). This variant has not been reported in the literature in individuals affected with SPP2-related conditions. ClinVar contains an entry for this variant (Variation ID: 1465663). An algorithm developed to predict the effect of missense changes on protein structure and function (PolyPhen-2) suggests that this variant is likely to be tolerated. In summary, the available evidence is currently insufficient to determine the role of this variant in disease. Therefore, it has been classified as a Variant of Uncertain Significance.